The following is an entry in ClinVar:

ClinVar aggregate classification (germline): Conflicting classifications of pathogenicity. Review status: criteria provided, conflicting classifications (1 of 4 stars). 4 submissions from 4 submitters: Uncertain significance (2); Likely benign (2). Last evaluated 2025-06-13.

Conditions:
Tuberous sclerosis 2 (TSC2). Identifiers: Orphanet 805, MedGen C1860707, MONDO:0013199, OMIM 613254.
Hereditary cancer-predisposing syndrome. Also called: Neoplastic Syndromes, Hereditary; Hereditary neoplastic syndrome; Tumor predisposition; Hereditary Cancer Syndrome. Identifiers: Orphanet 140162, MedGen C0027672, MeSH D009386, MONDO:0015356.
Tuberous sclerosis syndrome (TSC). Also called: Tuberous Sclerosis Complex; Tuberous sclerosis. Identifiers: Orphanet 805, MedGen C0041341, MONDO:0001734.

Allele frequency attached by ClinVar (database versions not stated): gnomAD 0.00001 and 0.00002; gnomAD exomes 0.00001 and 0.00002; TOPMed 0.00002; ESP Exome Variant Server 0.00008.
gnomAD v4.1: 12 of 1,613,784 alleles (0.00074%); highest among the groups gnomAD compares: Admixed American, 0.0017%; no homozygotes.

Submissions (4):

Color Diagnostics, LLC DBA Color Health
Classification: Uncertain significance for Tuberous sclerosis syndrome. Last evaluated: 2025-06-13. Review status: criteria provided, single submitter. Criteria: ACMG Guidelines, 2015. Collection method: clinical testing. Allele origin: germline.
Comment: This missense variant replaces valine with isoleucine at codon 892 of the TSC2 protein. Computational prediction suggests that this variant may have deleterious impact on protein structure and function. To our knowledge, functional studies have not been reported for this variant. This variant has not been reported in individuals affected with TSC2-related disorders in the literature. This variant has been identified in 5/282298 chromosomes in the general population by the Genome Aggregation Database (gnomAD). The available evidence is insufficient to determine the role of this variant in disease conclusively. Therefore, this variant is classified as a Variant of Uncertain Significance.

Labcorp Genetics (formerly Invitae), Labcorp
Classification: Likely benign for Tuberous sclerosis 2. Last evaluated: 2025-02-17. Review status: criteria provided, single submitter. Criteria: Invitae Variant Classification Sherloc (09022015). Collection method: clinical testing. Allele origin: germline.

All of Us Research Program, National Institutes of Health
Classification: Uncertain significance for Tuberous sclerosis syndrome. Last evaluated: 2023-11-28. Review status: criteria provided, single submitter. Criteria: ACMG Guidelines, 2015. Collection method: clinical testing. Allele origin: germline. Inheritance: Autosomal dominant inheritance. Observed: 3 variant alleles, 3 heterozygotes.
Comment: This missense variant replaces valine with isoleucine at codon 892 of the TSC2 protein. Computational prediction suggests that this variant may have deleterious impact on protein structure and function (internally defined REVEL score threshold >= 0.7, PMID: 27666373). To our knowledge, functional studies have not been reported for this variant. This variant has not been reported in individuals affected with tuberous sclerosis complex in the literature. This variant has been identified in 5/282298 chromosomes in the general population by the Genome Aggregation Database (gnomAD). The available evidence is insufficient to determine the role of this variant in disease conclusively. Therefore, this variant is classified as a Variant of Uncertain Significance.

This study involves interpretation of variants in research participants for the purpose of population health screening. Participant phenotype was not available at the time of variant classification. Additional details can be found in publication PMID: 35346344, PMCID: PMC8962531

Ambry Genetics
Classification: Likely benign for Hereditary cancer-predisposing syndrome. Last evaluated: 2020-05-04. Review status: criteria provided, single submitter. Criteria: Ambry Variant Classification Scheme 2023. Collection method: clinical testing. Allele origin: germline.

NM_000548.5(TSC2):c.2674G>A (p.Val892Ile)

Gene: TSC2 (TSC complex subunit 2; plus strand). Cytogenetic location: 16p13.3.
Variant type: single nucleotide variant.
Coding change: c.2674G>A on transcript NM_000548.5 (MANE Select); coding-DNA position 2674, G replaced by A.
Protein change: p.Val892Ile; replaces valine 892 with isoleucine.
Molecular consequence: missense variant.
Genome position (GRCh38, 1-based): chr16:2,076,102, G>A. VCF-style: chr16-2076102-G-A. GRCh37 (hg19) VCF-style: chr16-2126103-G-A.
Other names: c.2674G>A, p.Val892Ile (NM_001077183.3, NM_001114382.3, NM_001363528.2 and 3 more transcripts); c.2563G>A, p.Val855Ile (NM_001318827.2); c.2527G>A, p.Val843Ile (NM_001318829.2); c.2074G>A, p.Val692Ile (NM_001318831.2); c.2707G>A, p.Val903Ile (NM_001318832.2); short protein forms V892I, V692I, V843I, V855I, V903I.
Identifiers: ClinVar variation 535858 (VCV000535858.15), dbSNP rs376801256, ClinGen allele CA276741706.